The following is an entry in ClinVar:

NM_003873.7(NRP1):c.363C>T (p.Ile121=)

Gene: NRP1 (neuropilin 1; minus strand). Cytogenetic location: 10p11.22.
Variant type: single nucleotide variant.
Coding change: c.363C>T on transcript NM_003873.7 (MANE Select); coding-DNA position 363, C replaced by T.
Protein change: p.Ile121=; no amino-acid change (isoleucine 121 retained).
Molecular consequence: synonymous variant.
Genome position (GRCh38, 1-based): chr10:33,270,742, G>A on the plus strand (C>T on the coding strand, the complement: NRP1 is on the minus strand). VCF-style: chr10-33270742-G-A. GRCh37 (hg19) VCF-style: chr10-33559670-G-A.
Other names: c.363C>T, p.Ile121= (NM_001024628.3, NM_001024629.3, NM_001244972.2 and 2 more transcripts).
Identifiers: ClinVar variation 4990530 (VCV004990530.1).

ClinVar aggregate classification (germline): Likely benign (1 of 4 stars; one submission).

Conditions:
NRP1-related disorder. Also called: NRP1-related condition.

gnomAD v4.1: 2 of 1,613,946 alleles (0.00012%); highest among the groups gnomAD compares: Admixed American, 0.0033%; no homozygotes.

Submission:

PreventionGenetics, part of Exact Sciences
Classification: Likely benign for NRP1-related condition. Last evaluated: 2025-01-09. Review status: criteria provided, single submitter. Criteria: ACMG Guidelines, 2015. Collection method: clinical testing. Allele origin: germline.
Comment: This variant is classified as likely benign based on ACMG/AMP sequence variant interpretation guidelines (Richards et al. 2015 PMID: 25741868, with internal and published modifications).